The following is an entry in ClinVar:

ClinVar aggregate classification (germline): Uncertain significance (1 of 4 stars; one submission).

Submission:

Labcorp Genetics (formerly Invitae), Labcorp
Classification: Uncertain significance. Last evaluated: 2022-08-28. Review status: criteria provided, single submitter. Criteria: Invitae Variant Classification Sherloc (09022015). Collection method: clinical testing. Allele origin: germline.
Comment: This sequence change replaces methionine, which is neutral and non-polar, with threonine, which is neutral and polar, at codon 395 of the NEK2 protein (p.Met395Thr). This variant is not present in population databases (gnomAD no frequency). In summary, the available evidence is currently insufficient to determine the role of this variant in disease. Therefore, it has been classified as a Variant of Uncertain Significance. Algorithms developed to predict the effect of missense changes on protein structure and function output the following: SIFT: "Tolerated"; PolyPhen-2: "Benign"; Align-GVGD: "Class C0". The threonine amino acid residue is found in multiple mammalian species, which suggests that this missense change does not adversely affect protein function. This variant has not been reported in the literature in individuals affected with NEK2-related conditions.

NM_002497.4(NEK2):c.1184T>C (p.Met395Thr)

Gene: NEK2 (NIMA related kinase 2; minus strand). Cytogenetic location: 1q32.3.
Variant type: single nucleotide variant.
Coding change: c.1184T>C on transcript NM_002497.4 (MANE Select); coding-DNA position 1184, T replaced by C.
Protein change: p.Met395Thr; replaces methionine 395 with threonine.
Molecular consequence: missense variant. On other transcripts: intron variant (1).
Genome position (GRCh38, 1-based): chr1:211,663,580, A>G on the plus strand (T>C on the coding strand, the complement: NEK2 is on the minus strand). VCF-style: chr1-211663580-A-G. GRCh37 (hg19) VCF-style: chr1-211836922-A-G.
Other names: c.1111+3526T>C (NM_001204182.2); short protein forms M395T.
Identifiers: ClinVar variation 1718767 (VCV001718767.5), dbSNP rs2464371473, ClinGen allele CA344773957.